The following is an entry in ClinVar:

NM_201384.3(PLEC):c.2237G>T (p.Arg746Leu)

Gene: PLEC (plectin; minus strand). Cytogenetic location: 8q24.3.
Variant type: single nucleotide variant.
Coding change: c.2237G>T on transcript NM_201384.3 (MANE Select); coding-DNA position 2237, G replaced by T.
Protein change: p.Arg746Leu; replaces arginine 746 with leucine.
Molecular consequence: missense variant.
Genome position (GRCh38, 1-based): chr8:143,931,601, C>A on the plus strand (G>T on the coding strand, the complement: PLEC is on the minus strand). VCF-style: chr8-143931601-C-A. GRCh37 (hg19) VCF-style: chr8-145005769-C-A.
Other names: c.2318G>T, p.Arg773Leu (NM_000445.5, NM_001410941.1); c.2195G>T, p.Arg732Leu (NM_201378.4); c.2171G>T, p.Arg724Leu (NM_201379.3); c.2648G>T, p.Arg883Leu (NM_201380.4); c.2141G>T, p.Arg714Leu (NM_201381.3); c.2237G>T, p.Arg746Leu (NM_201382.4); c.2249G>T, p.Arg750Leu (NM_201383.3); short protein forms R714L, R746L, R773L, R724L, R732L, R750L, R883L.
Identifiers: ClinVar variation 4792422 (VCV004792422.1).

ClinVar aggregate classification (germline): Uncertain significance (1 of 4 stars; one submission).

Conditions:
Epidermolysis bullosa simplex with nail dystrophy (EBS5D). Identifiers: MedGen C4225309, MONDO:0014661, OMIM 616487.
Epidermolysis bullosa simplex, Ogna type (EBS5A). Also called: EPIDERMOLYSIS BULLOSA SIMPLEX 5A, OGNA TYPE; Pidermolysis bullosa simplex 5A, Ogna type. Identifiers: Orphanet 79401, MedGen C0432317, MONDO:0007555, OMIM 131950.
Autosomal recessive limb-girdle muscular dystrophy type 2Q (LGMDR17). Also called: MUSCULAR DYSTROPHY, LIMB-GIRDLE, AUTOSOMAL RECESSIVE 17. Identifiers: Orphanet 254361, MedGen C3150989, MONDO:0013390, OMIM 613723.
Epidermolysis bullosa simplex 5B, with muscular dystrophy (EBS5B). Also called: EPIDERMOLYSIS BULLOSA SIMPLEX AND LIMB-GIRDLE MUSCULAR DYSTROPHY; Epidermolysis bullosa simplex with muscular dystrophy. Identifiers: Orphanet 257, MedGen C2931072, MONDO:0009181, OMIM 226670.
Epidermolysis bullosa simplex 5C, with pyloric atresia (EBS5C). Also called: PLEC-Related Epidermolysis Bullosa with Pyloric Atresia; Epidermolysis bullosa simplex with pyloric atresia; PLEC1-Related Epidermolysis Bullosa with Pyloric Atresia. Identifiers: Orphanet 158684, MedGen C2677349, MONDO:0012807, OMIM 612138.

Submission:

Labcorp Genetics (formerly Invitae), Labcorp
Classification: Uncertain significance for Autosomal recessive limb-girdle muscular dystrophy type 2Q; Epidermolysis bullosa simplex, Ogna type; Epidermolysis bullosa simplex with nail dystrophy; Epidermolysis bullosa simplex 5C, with pyloric atresia; Epidermolysis bullosa simplex 5B, with muscular dystrophy. Last evaluated: 2025-08-29. Review status: criteria provided, single submitter. Criteria: Invitae Variant Classification Sherloc (09022015). Collection method: clinical testing. Allele origin: germline.
Comment: This sequence change replaces arginine, which is basic and polar, with leucine, which is neutral and non-polar, at codon 773 of the PLEC protein (p.Arg773Leu). This variant is not present in population databases (gnomAD no frequency). This variant has not been reported in the literature in individuals affected with PLEC-related conditions. Invitae Evidence Modeling of protein sequence and biophysical properties (such as structural, functional, and spatial information, amino acid conservation, physicochemical variation, residue mobility, and thermodynamic stability) has been performed for this missense variant. However, the output from this modeling did not meet the statistical confidence thresholds required to predict the impact of this variant on PLEC protein function. In summary, the available evidence is currently insufficient to determine the role of this variant in disease. Therefore, it has been classified as a Variant of Uncertain Significance.